The following is an entry in ClinVar:

ClinVar aggregate classification (germline): Uncertain significance (1 of 4 stars; one submission).

Conditions:
Joubert syndrome 21 (JBTS21). Identifiers: MedGen C3810212, MONDO:0014288, OMIM 615636.

gnomAD v4.1: 1 of 1,613,406 alleles (0.000062%); highest among the groups gnomAD compares: South Asian, 0.0011%; no homozygotes.

Submission:

Labcorp Genetics (formerly Invitae), Labcorp
Classification: Uncertain significance for Joubert syndrome 21. Last evaluated: 2022-02-09. Review status: criteria provided, single submitter. Criteria: Invitae Variant Classification Sherloc (09022015). Collection method: clinical testing. Allele origin: germline.
Comment: In summary, the available evidence is currently insufficient to determine the role of this variant in disease. Therefore, it has been classified as a Variant of Uncertain Significance. Experimental studies and prediction algorithms are not available or were not evaluated, and the functional significance of this variant is currently unknown. This variant has not been reported in the literature in individuals affected with CSPP1-related conditions. This variant is not present in population databases (gnomAD no frequency). This sequence change affects the initiator methionine of the CSPP1 mRNA. The next in-frame methionine is located at codon 37.

NM_001382391.1(CSPP1):c.-149T>G

Gene: CSPP1 (centrosome and spindle pole associated protein 1; plus strand). Cytogenetic location: 8q13.1.
Variant type: single nucleotide variant.
Coding change: c.-149T>G on transcript NM_001382391.1 (MANE Select); 149 bases upstream of the start codon, T replaced by G.
Molecular consequence: 5 prime UTR variant. On other transcripts: missense variant (3), initiator codon variant (2).
Genome position (GRCh38, 1-based): chr8:67,064,400, T>G. VCF-style: chr8-67064400-T-G. GRCh37 (hg19) VCF-style: chr8-67976635-T-G.
Other names: c.-149T>G (NM_001363131.2, NM_001363132.2, NM_001363133.2); c.2T>G, p.Met1Arg (NM_001364869.1, NM_001364870.1, NM_024790.7); short protein forms M1R.
Identifiers: ClinVar variation 2095395 (VCV002095395.5), dbSNP rs768356971, ClinGen allele CA371208384.